The following is an entry in ClinVar:

NM_033056.4(PCDH15):c.4451C>A (p.Pro1484His)

Gene: PCDH15 (protocadherin related 15; minus strand). Cytogenetic location: 10q21.1.
Variant type: single nucleotide variant.
Coding change: c.4451C>A on transcript NM_033056.4 (MANE Plus Clinical); coding-DNA position 4451, C replaced by A.
Protein change: p.Pro1484His; replaces proline 1484 with histidine.
Molecular consequence: missense variant. On other transcripts: intron variant (8).
Genome position (GRCh38, 1-based): chr10:53,823,275, G>T on the plus strand (C>A on the coding strand, the complement: PCDH15 is on the minus strand). VCF-style: chr10-53823275-G-T. GRCh37 (hg19) VCF-style: chr10-55583035-G-T.
Other names: c.4472C>A, p.Pro1491His (NM_001142763.2); c.4457C>A, p.Pro1486His (NM_001142764.2); c.4244C>A, p.Pro1415His (NM_001142765.2); c.4442C>A, p.Pro1481His (NM_001142766.2); c.4331C>A, p.Pro1444His (NM_001142767.2); c.4391C>A, p.Pro1464His (NM_001142768.2); c.4382C>A, p.Pro1461His (NM_001142773.2); c.4385C>A, p.Pro1462His (NM_001354404.2); and 6 more; short protein forms P1415H, P1444H, P1461H, P1464H, P1481H, P1491H, P1486H, P1462H.
Identifiers: ClinVar variation 4747032 (VCV004747032.1).

ClinVar aggregate classification (germline): Uncertain significance (1 of 4 stars; one submission).

gnomAD v4.1: 4 of 1,613,890 alleles (0.00025%); highest among the groups gnomAD compares: Non-Finnish European, 0.00034%; no homozygotes.

Submission:

Labcorp Genetics (formerly Invitae), Labcorp
Classification: Uncertain significance. Last evaluated: 2025-06-24. Review status: criteria provided, single submitter. Criteria: Invitae Variant Classification Sherloc (09022015). Collection method: clinical testing. Allele origin: germline.
Comment: This sequence change replaces proline, which is neutral and non-polar, with histidine, which is basic and polar, at codon 1484 of the PCDH15 protein (p.Pro1484His). This variant is not present in population databases (gnomAD no frequency). This variant has not been reported in the literature in individuals affected with PCDH15-related conditions. Invitae Evidence Modeling of protein sequence and biophysical properties (such as structural, functional, and spatial information, amino acid conservation, physicochemical variation, residue mobility, and thermodynamic stability) indicates that this missense variant is not expected to disrupt PCDH15 protein function with a negative predictive value of 95%. In summary, the available evidence is currently insufficient to determine the role of this variant in disease. Therefore, it has been classified as a Variant of Uncertain Significance.